The following is an entry in ClinVar:

ClinVar aggregate classification (germline): Uncertain significance. Review status: criteria provided, multiple submitters, no conflicts (2 of 4 stars). 2 submissions from 2 submitters: Uncertain significance (2). Last evaluated 2025-04-07.

Allele frequency attached by ClinVar (database versions not stated): gnomAD exomes 0.00002 and 0.00004; gnomAD 0.00003 and 0.00004; TOPMed 0.00004; ExAC 0.00007; ESP Exome Variant Server 0.00008.
gnomAD v4.1: 29 of 1,614,010 alleles (0.0018%); highest among the groups gnomAD compares: Admixed American, 0.0067%; no homozygotes.

Submissions (2):

Labcorp Genetics (formerly Invitae), Labcorp
Classification: Uncertain significance. Last evaluated: 2025-04-07. Review status: criteria provided, single submitter. Criteria: Invitae Variant Classification Sherloc (09022015). Collection method: clinical testing. Allele origin: germline.
Comment: This sequence change replaces valine, which is neutral and non-polar, with methionine, which is neutral and non-polar, at codon 342 of the CAPN5 protein (p.Val342Met). This variant is present in population databases (rs371777752, gnomAD 0.006%). This missense change has been observed in individual(s) with late onset high myopia (PMID: 29453956). ClinVar contains an entry for this variant (Variation ID: 937602). Invitae Evidence Modeling of protein sequence and biophysical properties (such as structural, functional, and spatial information, amino acid conservation, physicochemical variation, residue mobility, and thermodynamic stability) indicates that this missense variant is not expected to disrupt CAPN5 protein function with a negative predictive value of 80%. In summary, the available evidence is currently insufficient to determine the role of this variant in disease. Therefore, it has been classified as a Variant of Uncertain Significance.

Blueprint Genetics
Classification: Uncertain significance. Last evaluated: 2024-01-18. Review status: criteria provided, single submitter. Criteria: ACMG Guidelines, 2015. Collection method: clinical testing. Allele origin: germline.

Literature cited by the submitters: PubMed 29453956 (cited by Labcorp Genetics (formerly Invitae), Labcorp).

NM_004055.5(CAPN5):c.1024G>A (p.Val342Met)

Gene: CAPN5 (calpain 5; plus strand). Cytogenetic location: 11q13.5.
Variant type: single nucleotide variant.
Coding change: c.1024G>A on transcript NM_004055.5 (MANE Select); coding-DNA position 1024, G replaced by A.
Protein change: p.Val342Met; replaces valine 342 with methionine.
Molecular consequence: missense variant.
Genome position (GRCh38, 1-based): chr11:77,118,209, G>A. VCF-style: chr11-77118209-G-A. GRCh37 (hg19) VCF-style: chr11-76829255-G-A.
Other names: short protein forms V342M.
Identifiers: ClinVar variation 937602 (VCV000937602.8), dbSNP rs371777752, ClinGen allele CA6196666.
Genomic context (GRCh38, chr11:77,118,209, plus strand): 5'-ACATCCAGGATGACCTTCGAGGACGTGTGCCGGTACTTCACGGACATCATCAAGTGCCGC[G>A]TGATCAACACATCCCACCTGAGCATCCACAAGACGTGGGAGGAGGCCCGGCTGCATGGCG-3'
Protein context (NP_004046.2, residues 332-352): RYFTDIIKCR[Val342Met]INTSHLSIHK